The following is an entry in ClinVar:

NM_006904.7(PRKDC):c.8192G>A (p.Arg2731Gln)

Gene: PRKDC (protein kinase, DNA-activated, catalytic subunit; minus strand). Cytogenetic location: 8q11.21.
Variant type: single nucleotide variant.
Coding change: c.8192G>A on transcript NM_006904.7 (MANE Select); coding-DNA position 8192, G replaced by A.
Protein change: p.Arg2731Gln; replaces arginine 2731 with glutamine.
Molecular consequence: missense variant.
Genome position (GRCh38, 1-based): chr8:47,831,887, C>T on the plus strand (G>A on the coding strand, the complement: PRKDC is on the minus strand). VCF-style: chr8-47831887-C-T. GRCh37 (hg19) VCF-style: chr8-48744448-C-T.
Other names: c.8192G>A (NM_006904.6); c.8192G>A, p.Arg2731Gln (NM_001081640.2); short protein forms R2731Q.
Identifiers: ClinVar variation 1517723 (VCV001517723.7), dbSNP rs773606420, ClinGen allele CA371147777.

ClinVar aggregate classification (germline): Uncertain significance. Review status: criteria provided, multiple submitters, no conflicts (2 of 4 stars). 2 submissions from 2 submitters: Uncertain significance (2). Last evaluated 2023-11-16.

Conditions:
Severe combined immunodeficiency due to DNA-PKcs deficiency. Also called: IMMUNODEFICIENCY 26 WITH NEUROLOGIC ABNORMALITIES; Immunodeficiency 26 with or without neurologic abnormalities. Identifiers: Orphanet 317425, MedGen C4014833, MONDO:0014423, OMIM 615966.

gnomAD v4.1: 3 of 1,613,978 alleles (0.00019%); highest among the groups gnomAD compares: East Asian, 0.0045%; no homozygotes.

Submissions (2):

Ambry Genetics
Classification: Uncertain significance. Last evaluated: 2023-11-16. Review status: criteria provided, single submitter. Criteria: Ambry Variant Classification Scheme 2023. Collection method: clinical testing. Allele origin: germline.
Comment: The p.R2731Q variant (also known as c.8192G>A), located in coding exon 60 of the PRKDC gene, results from a G to A substitution at nucleotide position 8192. The arginine at codon 2731 is replaced by glutamine, an amino acid with highly similar properties. This amino acid position is conserved. Since supporting evidence is limited at this time, the clinical significance of this alteration remains unclear.

Labcorp Genetics (formerly Invitae), Labcorp
Classification: Uncertain significance for Severe combined immunodeficiency due to DNA-PKcs deficiency. Last evaluated: 2022-02-10. Review status: criteria provided, single submitter. Criteria: Invitae Variant Classification Sherloc (09022015). Collection method: clinical testing. Allele origin: germline.
Comment: This sequence change replaces arginine, which is basic and polar, with glutamine, which is neutral and polar, at codon 2731 of the PRKDC protein (p.Arg2731Gln). This variant is not present in population databases (gnomAD no frequency). Experimental studies and prediction algorithms are not available or were not evaluated, and the functional significance of this variant is currently unknown. In summary, the available evidence is currently insufficient to determine the role of this variant in disease. Therefore, it has been classified as a Variant of Uncertain Significance. This variant has not been reported in the literature in individuals affected with PRKDC-related conditions.